The following is an entry in ClinVar:

ClinVar aggregate classification (germline): Uncertain significance. Review status: criteria provided, multiple submitters, no conflicts (2 of 4 stars). 2 submissions from 2 submitters: Uncertain significance (2). Last evaluated 2023-10-30.

Conditions:
Charcot-Marie-Tooth disease type 2R. Also called: Charcot-Marie-Tooth disease, axonal, type 2R; CHARCOT-MARIE-TOOTH NEUROPATHY, TYPE 2R; CHARCOT-MARIE-TOOTH DISEASE, AXONAL, AUTOSOMAL RECESSIVE, TYPE 2R. Identifiers: Orphanet 397968, MedGen C3809655, MONDO:0014208, OMIM 615490.

Allele frequency attached by ClinVar (database versions not stated): TOPMed 0.00004; gnomAD 0.00001.
gnomAD v4.1: 9 of 1,610,576 alleles (0.00056%); highest among the groups gnomAD compares: Middle Eastern, 0.05%; 1 homozygote.

Submissions (2):

Ambry Genetics
Classification: Uncertain significance. Last evaluated: 2023-10-30. Review status: criteria provided, single submitter. Criteria: Ambry Variant Classification Scheme 2023. Collection method: clinical testing. Allele origin: germline.

Baylor Genetics
Classification: Uncertain significance for Charcot-Marie-Tooth disease type 2R. Last evaluated: 2019-12-10. Review status: criteria provided, single submitter. Criteria: ACMG Guidelines, 2015. Collection method: clinical testing. Allele origin: unknown. Affected: yes.
Comment: This variant was determined to be of uncertain significance according to ACMG Guidelines, 2015 [PMID:25741868].

NM_015271.5(TRIM2):c.818A>G (p.Gln273Arg)

Gene: TRIM2 (tripartite motif containing 2; plus strand). Cytogenetic location: 4q31.3.
Variant type: single nucleotide variant.
Coding change: c.818A>G on transcript NM_015271.5 (MANE Select); coding-DNA position 818, A replaced by G.
Protein change: p.Gln273Arg; replaces glutamine 273 with arginine.
Molecular consequence: missense variant.
Genome position (GRCh38, 1-based): chr4:153,295,344, A>G. VCF-style: chr4-153295344-A-G. GRCh37 (hg19) VCF-style: chr4-154216496-A-G.
Other names: c.737A>G, p.Gln246Arg (NM_001130067.2, NM_001351056.2, NM_001375512.1 and 5 more transcripts); c.791A>G, p.Gln264Arg (NM_001351054.2); c.788A>G, p.Gln263Arg (NM_001351055.2); c.362A>G, p.Gln121Arg (NM_001351057.2); c.911A>G, p.Gln304Arg (NM_001375488.1); c.908A>G, p.Gln303Arg (NM_001375489.1); c.761A>G, p.Gln254Arg (NM_001375490.1); c.758A>G, p.Gln253Arg (NM_001375491.1); and 4 more; short protein forms Q246R, Q253R, Q254R, Q303R, Q162R, Q263R, Q273R, Q304R.
Identifiers: ClinVar variation 1030179 (VCV001030179.2), dbSNP rs1045971920, ClinGen allele CA107915740.